The following is an entry in ClinVar:

ClinVar aggregate classification (germline): Likely benign. Review status: criteria provided, multiple submitters, no conflicts (2 of 4 stars). 2 submissions from 2 submitters: Likely benign (2). Last evaluated 2025-08-18.

Conditions:
Aicardi-Goutieres syndrome 7 (AGS7). Identifiers: Orphanet 51, MedGen C3888244, MONDO:0014367, OMIM 615846.
Singleton-Merten syndrome 1 (SGMRT1). Also called: Widened medullary cavities of bone, aortic calcification, abnormal dentition, and muscular weakness; Syndrome of widened medullary cavities of the metacarpals and phalanges, aortic calcification and abnormal dentition. Identifiers: Orphanet 85191, MedGen C4225427, MONDO:0024535, OMIM 182250.

Allele frequency attached by ClinVar (database versions not stated): gnomAD exomes below 0.00001; ExAC 0.00001; gnomAD 0.00003 and 0.00005; TOPMed 0.00005.
gnomAD v4.1: 10 of 1,614,064 alleles (0.00062%); highest among the groups gnomAD compares: African/African-American, 0.013%; no homozygotes.

Submissions (2):

Labcorp Genetics (formerly Invitae), Labcorp
Classification: Likely benign for Aicardi-Goutieres syndrome 7; Singleton-Merten syndrome 1. Last evaluated: 2025-08-18. Review status: criteria provided, single submitter. Criteria: Invitae Variant Classification Sherloc (09022015). Collection method: clinical testing. Allele origin: germline.

CeGaT Center for Human Genetics Tuebingen
Classification: Likely benign. Last evaluated: 2022-08-01. Review status: criteria provided, single submitter. Criteria: CeGaT Center For Human Genetics Tuebingen Variant Classification Criteria Version 2. Collection method: clinical testing. Allele origin: germline. Affected: yes. Observed: 1 variant allele.
Comment: IFIH1: BP4, BP7

NM_022168.4(IFIH1):c.261C>T (p.Gly87=)

Gene: IFIH1 (interferon induced with helicase C domain 1; minus strand). Cytogenetic location: 2q24.2.
Variant type: single nucleotide variant.
Coding change: c.261C>T on transcript NM_022168.4 (MANE Select); coding-DNA position 261, C replaced by T.
Protein change: p.Gly87=; no amino-acid change (glycine 87 retained).
Molecular consequence: synonymous variant.
Genome position (GRCh38, 1-based): chr2:162,318,047, G>A on the plus strand (C>T on the coding strand, the complement: IFIH1 is on the minus strand). VCF-style: chr2-162318047-G-A. GRCh37 (hg19) VCF-style: chr2-163174557-G-A.
Identifiers: ClinVar variation 1436134 (VCV001436134.31), dbSNP rs775555538, ClinGen allele CA1934871.
Genomic context (GRCh38, chr2:162,318,047, plus strand): 5'-AAACGATGGAGAGGGCAAGTCCGTGAGCTCAGGGTTCATGTAGCGGGCGGCCAGAGGGCT[G>A]CCGGTTCTCCGGAGGGCCTCCACGAATTCCCGAGTCCAACCAAGGTGCCAGACTCCCTTC-3'
Protein context (NP_071451.2, residues 77-97): REFVEALRRT[Gly87=]SPLAARYMNP